The following is an entry in ClinVar:

ClinVar aggregate classification (germline): Pathogenic. Review status: criteria provided, multiple submitters, no conflicts (2 of 4 stars). 4 submissions from 4 submitters: Pathogenic (3). 1 of the submissions does not count toward it. Last evaluated 2025-12-09.

Conditions:
Autosomal recessive nonsyndromic hearing loss 3. Also called: NEUROSENSORY NONSYNDROMIC RECESSIVE DEAFNESS 3. Identifiers: Orphanet 90636, MedGen C1838263, MONDO:0010860, OMIM 600316.

Allele frequency attached by ClinVar (database versions not stated): gnomAD 0.00002; TOPMed 0.00002; gnomAD exomes 0.00004; ExAC 0.00007; ESP Exome Variant Server 0.00008.
gnomAD v4.1: 26 of 1,613,928 alleles (0.0016%); highest among the groups gnomAD compares: South Asian, 0.0022%; no homozygotes.

Submissions (4):

Genetics Research Center, University of Social Welfare and Rehabilitation Sciences
Classification: Pathogenic for Autosomal recessive nonsyndromic hearing loss 3. Last evaluated: 2025-12-09. Review status: criteria provided, single submitter. Criteria: ACMG Guidelines, 2015. Collection method: research. Allele origin: germline. Affected: yes.
Comment: This heterozygous variant is present at a very low frequency in the gnomAD v2.1.1 dataset (allele frequency: 0.004%) and has been reported in individual(s) affected with MYO15A-related hearing loss (PMID:26445815, 32747562). We observed this variant in compound heterozygosity with the c.8089-14_8089-1del variant. In addition, other missense variants affecting the same codon (R3191G, R3191C) have been reported to co-segregated with hearing loss (PMID:31301639, 32747562, 23804846, 31301639).

Labcorp Genetics (formerly Invitae), Labcorp
Classification: Pathogenic. Last evaluated: 2023-04-28. Review status: criteria provided, single submitter. Criteria: Invitae Variant Classification Sherloc (09022015). Collection method: clinical testing. Allele origin: germline.
Comment: This sequence change replaces arginine, which is basic and polar, with histidine, which is basic and polar, at codon 3191 of the MYO15A protein (p.Arg3191His). This variant is present in population databases (rs373520843, gnomAD 0.009%). This missense change has been observed in individual(s) with deafness (PMID: 26445815, 32747562). It has also been observed to segregate with disease in related individuals. ClinVar contains an entry for this variant (Variation ID: 402260). Advanced modeling of protein sequence and biophysical properties (such as structural, functional, and spatial information, amino acid conservation, physicochemical variation, residue mobility, and thermodynamic stability) performed at Invitae indicates that this missense variant is expected to disrupt MYO15A protein function. For these reasons, this variant has been classified as Pathogenic.

Breakthrough Genomics
Classification: Pathogenic for Autosomal recessive nonsyndromic hearing loss 3. Last evaluated: 2022-05-16. Review status: criteria provided, single submitter. Criteria: ACMG Guidelines, 2015. Collection method: clinical testing. Allele origin: germline. Affected: yes.
Comment: This variant has been reported in families with hearing loss in homozygous or compound heterozygous state and it segregated with the disease [PMID: 32747562]. In addition, another missense variant affecting the same codon (c.9571C>T, p.R3191C) has been reported to co-segregated with hearing loss in a family [PMID: 31301639].

Hereditary Research Laboratory, Bethlehem University
Classification: Pathogenic for Autosomal recessive nonsyndromic hearing loss 3. Last evaluated: 2016-06-04. Review status: no assertion criteria provided. Collection method: research. Allele origin: germline. Affected: yes. Not counted in ClinVar's aggregate classification.
Comment: Severe to Profound

Literature cited by the submitters: PubMed 26445815 (cited by Genetics Research Center, University of Social Welfare and Rehabilitation Sciences and Labcorp Genetics (formerly Invitae), Labcorp); PubMed 32747562 (cited by Genetics Research Center, University of Social Welfare and Rehabilitation Sciences and Labcorp Genetics (formerly Invitae), Labcorp).

NM_016239.4(MYO15A):c.9572G>A (p.Arg3191His)

Gene: MYO15A (myosin XVA; plus strand). Cytogenetic location: 17p11.2.
Variant type: single nucleotide variant.
Coding change: c.9572G>A on transcript NM_016239.4 (MANE Select); coding-DNA position 9572, G replaced by A.
Protein change: p.Arg3191His; replaces arginine 3191 with histidine.
Molecular consequence: missense variant.
Genome position (GRCh38, 1-based): chr17:18,162,639, G>A. VCF-style: chr17-18162639-G-A. GRCh37 (hg19) VCF-style: chr17-18065953-G-A.
Other names: p.Arg3191His; short protein forms R3191H.
Identifiers: ClinVar variation 402260 (VCV000402260.7), dbSNP rs373520843, ClinGen allele CA8425597.